The following is an entry in ClinVar:

NM_001378457.1(DMXL2):c.449A>T (p.Asp150Val)

Gene: DMXL2 (Dmx like 2; minus strand). Cytogenetic location: 15q21.2.
Variant type: single nucleotide variant.
Coding change: c.449A>T on transcript NM_001378457.1 (MANE Select); coding-DNA position 449, A replaced by T.
Protein change: p.Asp150Val; replaces aspartic acid 150 with valine.
Molecular consequence: missense variant. On other transcripts: non-coding transcript variant (2).
Genome position (GRCh38, 1-based): chr15:51,564,176, T>A on the plus strand (A>T on the coding strand, the complement: DMXL2 is on the minus strand). VCF-style: chr15-51564176-T-A. GRCh37 (hg19) VCF-style: chr15-51856373-T-A.
Other names: c.449A>T, p.Asp150Val (NM_001174116.3, NM_001174117.3, NM_001378458.1 and 7 more transcripts); c.449A>T (NM_001174116.1); short protein forms D150V.
Identifiers: ClinVar variation 1988660 (VCV001988660.3), dbSNP rs752498898, ClinGen allele CA7562830.
Genomic context (GRCh38, chr15:51,564,176, plus strand): 5'-GACACTAACTTGCACTGCCAGACACACTTCCAATCATTTAAAACAGGAGGAACTGTATTA[T>A]CAATTTCTTCCTCCTCTTCCAGAATATCATCTCCTGGAGGAGCCCACAACTGAATAGAAT-3'
Protein context (NP_001365386.1, residues 140-160): DDILEEEEEI[Asp150Val]NTVPPVLNDW

ClinVar aggregate classification (germline): Uncertain significance. Review status: criteria provided, multiple submitters, no conflicts (2 of 4 stars). 2 submissions from 2 submitters: Uncertain significance (2). Last evaluated 2024-11-24.

Conditions:
Inborn genetic diseases. Identifiers: MedGen C0950123, MeSH D030342.

Allele frequency attached by ClinVar (database versions not stated): gnomAD 0.00003; gnomAD exomes 0.00003; TOPMed 0.00004; ExAC 0.00006.

Submissions (2):

Ambry Genetics
Classification: Uncertain significance for Inborn genetic diseases. Last evaluated: 2024-11-24. Review status: criteria provided, single submitter. Criteria: Ambry Variant Classification Scheme 2023. Collection method: clinical testing. Allele origin: germline.

Labcorp Genetics (formerly Invitae), Labcorp
Classification: Uncertain significance. Last evaluated: 2022-09-16. Review status: criteria provided, single submitter. Criteria: Invitae Variant Classification Sherloc (09022015). Collection method: clinical testing. Allele origin: germline.
Comment: In summary, the available evidence is currently insufficient to determine the role of this variant in disease. Therefore, it has been classified as a Variant of Uncertain Significance. Algorithms developed to predict the effect of missense changes on protein structure and function are either unavailable or do not agree on the potential impact of this missense change (SIFT: "Deleterious"; PolyPhen-2: "Benign"; Align-GVGD: "Class C0"). This variant has not been reported in the literature in individuals affected with DMXL2-related conditions. This variant is present in population databases (rs752498898, gnomAD 0.1%). This sequence change replaces aspartic acid, which is acidic and polar, with valine, which is neutral and non-polar, at codon 150 of the DMXL2 protein (p.Asp150Val).